The following is an entry in ClinVar:

NM_001848.3(COL6A1):c.1030G>C (p.Gly344Arg)

Gene: COL6A1 (collagen type VI alpha 1 chain; plus strand). Cytogenetic location: 21q22.3.
Variant type: single nucleotide variant.
Coding change: c.1030G>C on transcript NM_001848.3 (MANE Select); coding-DNA position 1030, G replaced by C.
Protein change: p.Gly344Arg; replaces glycine 344 with arginine.
Molecular consequence: missense variant.
Genome position (GRCh38, 1-based): chr21:45,990,800, G>C. VCF-style: chr21-45990800-G-C. GRCh37 (hg19) VCF-style: chr21-47410714-G-C.
Other names: short protein forms G344R.
Identifiers: ClinVar variation 566470 (VCV000566470.7), dbSNP rs1569518250, ClinGen allele CA410523399.

ClinVar aggregate classification (germline): Uncertain significance (1 of 4 stars; one submission).

Conditions:
Bethlem myopathy 1A. Also called: Bethlem myopathy 1; MYOPATHY, BENIGN CONGENITAL, WITH CONTRACTURES; Bethlem Muscular Dystrophy. Identifiers: Orphanet 610, MedGen CN029274, MONDO:0024530, OMIM 158810.

gnomAD v4.1: 1 of 1,613,440 alleles (0.000062%); no homozygotes.

Submission:

Labcorp Genetics (formerly Invitae), Labcorp
Classification: Uncertain significance for Bethlem myopathy 1A. Last evaluated: 2023-08-04. Review status: criteria provided, single submitter. Criteria: Invitae Variant Classification Sherloc (09022015). Collection method: clinical testing. Allele origin: germline.
Comment: ClinVar contains an entry for this variant (Variation ID: 566470). In summary, the available evidence is currently insufficient to determine the role of this variant in disease. Therefore, it has been classified as a Variant of Uncertain Significance. This variant disrupts the triple helix domain of COL6A1. Glycine residues within the Gly-Xaa-Yaa repeats of the triple helix domain are required for the structure and stability of fibrillar collagens (PMID: 7695699, 8218237, 19344236). In COL6A1, variants at these glycine residues are significantly enriched in individuals with autosomal dominant disease (PMID: 15689448, 24038877) compared to the general population (ExAC). Advanced modeling of protein sequence and biophysical properties (such as structural, functional, and spatial information, amino acid conservation, physicochemical variation, residue mobility, and thermodynamic stability) performed at Invitae indicates that this missense variant is expected to disrupt COL6A1 protein function. This variant has not been reported in the literature in individuals affected with COL6A1-related conditions. This variant is not present in population databases (gnomAD no frequency). This sequence change replaces glycine, which is neutral and non-polar, with arginine, which is basic and polar, at codon 344 of the COL6A1 protein (p.Gly344Arg).

Literature cited by the submitters: PubMed 7695699; PubMed 8218237; PubMed 19344236; PubMed 15689448; PubMed 24038877.